The following is an entry in ClinVar:

NM_000116.5(TAFAZZIN):c.855C>A (p.His285Gln)

Gene: TAFAZZIN (tafazzin, phospholipid-lysophospholipid transacylase; plus strand). Cytogenetic location: Xq28.
Variant type: single nucleotide variant.
Coding change: c.855C>A on transcript NM_000116.5 (MANE Select); coding-DNA position 855, C replaced by A.
Protein change: p.His285Gln; replaces histidine 285 with glutamine.
Molecular consequence: missense variant. On other transcripts: non-coding transcript variant (1).
Genome position (GRCh38, 1-based): chrX:154,420,980, C>A. VCF-style: chrX-154420980-C-A. GRCh37 (hg19) VCF-style: chrX-153649319-C-A.
Other names: c.867C>A, p.His289Gln (NM_001303465.2); c.819C>A, p.His273Gln (NM_001410698.1); c.765C>A, p.His255Gln (NM_181311.4); c.813C>A, p.His271Gln (NM_181312.4); c.723C>A, p.His241Gln (NM_181313.4); short protein forms H241Q, H255Q, H273Q, H285Q, H289Q, H271Q.
Identifiers: ClinVar variation 2029841 (VCV002029841.4), dbSNP rs782595182, ClinGen allele CA415185849.

ClinVar aggregate classification (germline): Uncertain significance (1 of 4 stars; one submission).

Conditions:
3-Methylglutaconic aciduria type 2 (BTHS). Also called: CARDIOSKELETAL MYOPATHY WITH NEUTROPENIA AND ABNORMAL MITOCHONDRIA; Barth syndrome. Identifiers: Orphanet 111, MedGen C0574083, MONDO:0010543, OMIM 302060.

Submission:

Labcorp Genetics (formerly Invitae), Labcorp
Classification: Uncertain significance for 3-Methylglutaconic aciduria type 2. Last evaluated: 2022-09-28. Review status: criteria provided, single submitter. Criteria: Invitae Variant Classification Sherloc (09022015). Collection method: clinical testing. Allele origin: germline.
Comment: In summary, the available evidence is currently insufficient to determine the role of this variant in disease. Therefore, it has been classified as a Variant of Uncertain Significance. Algorithms developed to predict the effect of missense changes on protein structure and function are either unavailable or do not agree on the potential impact of this missense change (SIFT: "Not Available"; PolyPhen-2: "Probably Damaging"; Align-GVGD: "Not Available"). This variant has not been reported in the literature in individuals affected with TAZ-related conditions. This variant is not present in population databases (gnomAD no frequency). This sequence change replaces histidine, which is basic and polar, with glutamine, which is neutral and polar, at codon 285 of the TAZ protein (p.His285Gln).